The following is an entry in ClinVar:

ClinVar aggregate classification (germline): Conflicting classifications of pathogenicity. Review status: criteria provided, conflicting classifications (1 of 4 stars). 4 submissions from 4 submitters: Uncertain significance (3); Benign (1). Last evaluated 2026-01-18.

Conditions:
Hereditary cancer-predisposing syndrome. Also called: Hereditary neoplastic syndrome; Neoplastic Syndromes, Hereditary; Hereditary Cancer Syndrome; Tumor predisposition. Identifiers: Orphanet 140162, MedGen C0027672, MeSH D009386, MONDO:0015356.
Cardiovascular phenotype. Identifiers: MedGen CN230736.
Neurofibromatosis, type 1 (NF1). Also called: Peripheral type neurofibromatosis; VON RECKLINGHAUSEN DISEASE; Neurofibromatosis, type I; NEUROFIBROMATOSIS, TYPE I, SOMATIC. Identifiers: Orphanet 636, MedGen C0027831, MONDO:0018975, OMIM 162200. Disease mechanism: loss of function.

Allele frequency attached by ClinVar (database versions not stated): TOPMed below 0.00001; ExAC 0.00001; gnomAD 0.00001; gnomAD exomes 0.00001.
gnomAD v4.1: 5 of 1,613,522 alleles (0.00031%); highest among the groups gnomAD compares: Admixed American, 0.0033%; no homozygotes.

Submissions (4):

Labcorp Genetics (formerly Invitae), Labcorp
Classification: Benign for Neurofibromatosis, type 1. Last evaluated: 2026-01-18. Review status: criteria provided, single submitter. Criteria: Invitae Variant Classification Sherloc (09022015). Collection method: clinical testing. Allele origin: germline.

GeneDx
Classification: Uncertain significance. Last evaluated: 2024-12-29. Review status: criteria provided, single submitter. Criteria: GeneDx Variant Classification Process June 2021. Collection method: clinical testing. Allele origin: germline.
Comment: In silico analysis supports that this missense variant has a deleterious effect on protein structure/function; Has not been previously published as pathogenic or benign to our knowledge

Ambry Genetics
Classification: Uncertain significance for Cardiovascular phenotype; Hereditary cancer-predisposing syndrome. Last evaluated: 2023-07-24. Review status: criteria provided, single submitter. Criteria: Ambry Variant Classification Scheme 2023. Collection method: clinical testing. Allele origin: germline.
Comment: The p.R1684S variant (also known as c.5052G>C), located in coding exon 36 of the NF1 gene, results from a G to C substitution at nucleotide position 5052. The arginine at codon 1684 is replaced by serine, an amino acid with dissimilar properties. This amino acid position is highly conserved in available vertebrate species. In addition, the in silico prediction for this alteration is inconclusive. Since supporting evidence is limited at this time, the clinical significance of this alteration remains unclear.

Genome-Nilou Lab
Classification: Uncertain significance for Neurofibromatosis, type 1. Last evaluated: 2022-03-15. Review status: criteria provided, single submitter. Criteria: ACMG Guidelines, 2015. Collection method: clinical testing. Allele origin: germline. Affected: no.

NM_001042492.3(NF1):c.5115G>C (p.Arg1705Ser)

Gene: NF1 (neurofibromin 1; plus strand). Cytogenetic location: 17q11.2.
Variant type: single nucleotide variant.
Coding change: c.5115G>C on transcript NM_001042492.3 (MANE Select); coding-DNA position 5115, G replaced by C.
Protein change: p.Arg1705Ser; replaces arginine 1705 with serine.
Molecular consequence: missense variant.
Genome position (GRCh38, 1-based): chr17:31,326,099, G>C. VCF-style: chr17-31326099-G-C. GRCh37 (hg19) VCF-style: chr17-29653117-G-C.
Other names: c.5052G>C, p.Arg1684Ser (NM_000267.4); short protein forms R1684S, R1705S.
Identifiers: ClinVar variation 404541 (VCV000404541.15), dbSNP rs749669269, ClinGen allele CA8487136.